The following is an entry in ClinVar:

NM_003072.5(SMARCA4):c.325C>T (p.Pro109Ser)

Gene: SMARCA4 (SWI/SNF related BAF chromatin remodeling complex subunit ATPase 4; plus strand). Cytogenetic location: 19p13.2.
Variant type: single nucleotide variant.
Coding change: c.325C>T on transcript NM_003072.5 (MANE Select); coding-DNA position 325, C replaced by T.
Protein change: p.Pro109Ser; replaces proline 109 with serine.
Molecular consequence: missense variant. On other transcripts: non-coding transcript variant (1).
Genome position (GRCh38, 1-based): chr19:10,985,375, C>T. VCF-style: chr19-10985375-C-T. GRCh37 (hg19) VCF-style: chr19-11096051-C-T.
Other names: c.325C>T, p.Pro109Ser (NM_001128844.3, NM_001128845.2, NM_001128846.2 and 4 more transcripts); short protein forms P109S.
Identifiers: ClinVar variation 941245 (VCV000941245.9), dbSNP rs2085934580, ClinGen allele CA404055298.

ClinVar aggregate classification (germline): Uncertain significance (1 of 4 stars; one submission).

Conditions:
Rhabdoid tumor predisposition syndrome 2 (RTPS2). Identifiers: Orphanet 231108, Orphanet 69077, MedGen C2750074, MONDO:0013224, OMIM 613325.

Allele frequency attached by ClinVar (database versions not stated): gnomAD exomes below 0.00001.
gnomAD v4.1: 1 of 1,613,952 alleles (0.000062%); highest among the groups gnomAD compares: Non-Finnish European, 0.000085%; no homozygotes.

Submission:

Labcorp Genetics (formerly Invitae), Labcorp
Classification: Uncertain significance for Rhabdoid tumor predisposition syndrome 2. Last evaluated: 2019-09-13. Review status: criteria provided, single submitter. Criteria: Invitae Variant Classification Sherloc (09022015). Collection method: clinical testing. Allele origin: germline.
Comment: This variant has not been reported in the literature in individuals with SMARCA4-related conditions. This variant is not present in population databases (ExAC no frequency). This sequence change replaces proline with serine at codon 109 of the SMARCA4 protein (p.Pro109Ser). The proline residue is highly conserved and there is a moderate physicochemical difference between proline and serine. In summary, the available evidence is currently insufficient to determine the role of this variant in disease. Therefore, it has been classified as a Variant of Uncertain Significance. Algorithms developed to predict the effect of missense changes on protein structure and function (SIFT, PolyPhen-2, Align-GVGD) all suggest that this variant is likely to be disruptive, but these predictions have not been confirmed by published functional studies and their clinical significance is uncertain.